The following is an entry in ClinVar:

NM_182641.4(BPTF):c.3938A>G (p.Glu1313Gly)

Gene: BPTF (bromodomain PHD finger transcription factor; plus strand). Cytogenetic location: 17q24.2.
Variant type: single nucleotide variant.
Coding change: c.3938A>G on transcript NM_182641.4 (MANE Select); coding-DNA position 3938, A replaced by G.
Protein change: p.Glu1313Gly; replaces glutamic acid 1313 with glycine.
Molecular consequence: missense variant.
Genome position (GRCh38, 1-based): chr17:67,911,822, A>G. VCF-style: chr17-67911822-A-G. GRCh37 (hg19) VCF-style: chr17-65907938-A-G.
Other names: c.4316A>G, p.Glu1439Gly (NM_004459.7); short protein forms E1439G, E1313G.
Identifiers: ClinVar variation 3698040 (VCV003698040.2).

ClinVar aggregate classification (germline): Uncertain significance (1 of 4 stars; one submission).

gnomAD v4.1: 20 of 1,614,098 alleles (0.0012%); highest among the groups gnomAD compares: Non-Finnish European, 0.0017%; no homozygotes.

Submission:

Labcorp Genetics (formerly Invitae), Labcorp
Classification: Uncertain significance. Last evaluated: 2024-05-02. Review status: criteria provided, single submitter. Criteria: Invitae Variant Classification Sherloc (09022015). Collection method: clinical testing. Allele origin: germline.
Comment: This sequence change replaces glutamic acid, which is acidic and polar, with glycine, which is neutral and non-polar, at codon 1439 of the BPTF protein (p.Glu1439Gly). This variant is present in population databases (rs760930361, gnomAD 0.004%). This variant has not been reported in the literature in individuals affected with BPTF-related conditions. An algorithm developed to predict the effect of missense changes on protein structure and function (PolyPhen-2) suggests that this variant is likely to be tolerated. In summary, the available evidence is currently insufficient to determine the role of this variant in disease. Therefore, it has been classified as a Variant of Uncertain Significance.